The following is an entry in ClinVar:

NM_003000.3(SDHB):c.286+2T>A

Gene: SDHB (succinate dehydrogenase complex iron sulfur subunit B; minus strand). Cytogenetic location: 1p36.13.
Variant type: single nucleotide variant.
Coding change: c.286+2T>A on transcript NM_003000.3 (MANE Select); the canonical splice donor site of the intron after coding-DNA position 286, T replaced by A.
Molecular consequence: splice donor variant.
Genome position (GRCh38, 1-based): chr1:17,033,058, A>T on the plus strand (T>A on the coding strand, the complement: SDHB is on the minus strand). VCF-style: chr1-17033058-A-T. GRCh37 (hg19) VCF-style: chr1-17359553-A-T.
Other names: c.286+2T>A (NM_001407361.1).
Identifiers: ClinVar variation 140773 (VCV000140773.28), dbSNP rs587781270, ClinGen allele CA015691.
Genomic context (GRCh38, chr1:17,033,058, plus strand): 5'-CCAGCCCAAGCCTCTTTGGAAGACCACAAGTATCTGGAGCCCAACAGGAATGAAATGCTC[A>T]CCTTCTCTGCATGATCTTCGGAAGGTCAAAGTAGAGTCAACTTCATTCTTAATCTTGATT-3'

ClinVar aggregate classification (germline): Pathogenic. Review status: criteria provided, multiple submitters, no conflicts (2 of 4 stars). 12 submissions from 12 submitters: Pathogenic (10). 2 of the submissions do not count toward it. Last evaluated 2025-11-19.

Conditions:
SDHB-related disorder. Also called: SDHB-related condition; SDHB-related disorders. Identifiers: MedGen CN239418.
Hereditary cancer-predisposing syndrome. Also called: Neoplastic Syndromes, Hereditary; Hereditary Cancer Syndrome; Tumor predisposition; Hereditary neoplastic syndrome. Identifiers: Orphanet 140162, MedGen C0027672, MeSH D009386, MONDO:0015356.
Pheochromocytoma. Also called: MAX-Related Hereditary Paraganglioma-Pheochromocytoma Syndrome. Identifiers: Orphanet 29072, MedGen C0031511, MONDO:0008233, OMIM 171300, HP:0002666.
Gastrointestinal stromal tumor. Also called: Gastrointestinal stromal tumor, somatic; Gastrointestinal stroma tumor. Identifiers: Orphanet 44890, MedGen C0238198, MeSH D046152, MONDO:0011719, OMIM 606764, HP:0100723.
Pheochromocytoma/paraganglioma syndrome 4. Also called: PARAGANGLIOMA, FAMILIAL MALIGNANT; PARAGANGLIOMAS, HEREDITARY EXTRAADRENAL; PHEOCHROMOCYTOMA, FAMILIAL EXTRAADRENAL; Paragangliomas 4; SDHB-Related Hereditary Paraganglioma-Pheochromocytoma Syndrome (Paragangliomas 4); CAROTID BODY TUMORS AND MULTIPLE EXTRAADRENAL PHEOCHROMOCYTOMAS. Identifiers: Orphanet 29072, MedGen C1861848, MONDO:0007273, OMIM 115310.
Hereditary pheochromocytoma and paraganglioma. Also called: Hereditary Paraganglioma-Pheochromocytoma Syndromes; Hereditary paragangliomas and pheochromocytomas; Hereditary pheochromocytoma-paraganglioma. Identifiers: Orphanet 29072, MedGen C4274332, MONDO:0017366.

Allele frequency attached by ClinVar (database versions not stated): TOPMed below 0.00001.

Submissions (13):

Labcorp Genetics (formerly Invitae), Labcorp
Classification: Pathogenic for Gastrointestinal stromal tumor; Pheochromocytoma/paraganglioma syndrome 4; Pheochromocytoma. Last evaluated: 2025-11-19. Review status: criteria provided, single submitter. Criteria: Invitae Variant Classification Sherloc (09022015). Collection method: clinical testing. Allele origin: germline.
Comment: This sequence change affects a donor splice site in intron 3 of the SDHB gene. It is expected to disrupt RNA splicing. Variants that disrupt the donor or acceptor splice site typically lead to a loss of protein function (PMID: 16199547), and loss-of-function variants in SDHB are known to be pathogenic (PMID: 19454582, 19802898). This variant is not present in population databases (gnomAD no frequency). Disruption of this splice site has been observed in individuals with malignant paraganglioma and renal cell carcinoma (PMID: 16199547, 16912137, 19454582, 19802898, 23083876). ClinVar contains an entry for this variant (Variation ID: 140773). Algorithms developed to predict the effect of sequence changes on RNA splicing suggest that this variant may disrupt the consensus splice site. For these reasons, this variant has been classified as Pathogenic.

Institute for Genomic Medicine (IGM) Clinical Laboratory, Nationwide Children's Hospital
Classification: Pathogenic for Pheochromocytoma/paraganglioma syndrome 4. Last evaluated: 2025-08-12. Review status: criteria provided, single submitter. Criteria: ACMG Guidelines, 2015. Collection method: clinical testing. Allele origin: germline.
Comment: This variant is predicted to result in loss of function through nonsense-mediated decay of the encoded transcript or premature truncation of the encoded protein in a gene in which loss of function is a known mechanism of disease (ACMG/AMP: PVS1). This variant has been reported at an elevated frequency in affected individuals/in multiple affected individuals in the literature (ACMG/AMP: PS4; PMIDs:16912137, 30877234, 19075037, 23083876, 31492822). This variant is absent from or present at an exceedingly low frequency in gnomAD, a large-scale control population database (ACMG/AMP: PM2).

Ambry Genetics
Classification: Pathogenic for Hereditary cancer-predisposing syndrome. Last evaluated: 2025-07-24. Review status: criteria provided, single submitter. Criteria: Ambry Variant Classification Scheme 2023. Collection method: clinical testing. Allele origin: germline.
Comment: The c.286+2T>A intronic pathogenic mutation results from a T to A substitution two nucleotides after coding exon 3 in the SDHB gene. This alteration was also identified in a cohort of 950 pheochromocytoma-paraganglioma syndrome (PPGL) and head and neck paraganglioma (HNPGL) patients (Bayley JP et al. J Med Genet, 2020 02;57:96-103). In silico splice site analysis predicts that this alteration will weaken the native splice donor site. In addition to the clinical data presented in the literature, alterations that disrupt the canonical splice site are expected to cause aberrant splicing, resulting in an abnormal protein or a transcript that is subject to nonsense-mediated mRNA decay. This variant is considered to be rare based on population cohorts in the Genome Aggregation Database (gnomAD). As such, this alteration is classified as a disease-causing mutation.

GeneDx
Classification: Pathogenic. Last evaluated: 2025-05-28. Review status: criteria provided, single submitter. Criteria: GeneDx Variant Classification Process June 2021. Collection method: clinical testing. Allele origin: germline. Affected: yes.
Comment: Canonical splice site variant predicted to result in a null allele in a gene for which loss of function is a known mechanism of disease; Not observed at significant frequency in large population cohorts (gnomAD); Observed in individuals with SDHB-related tumors (PMID: 16912137, 19075037, 23083876, 30877234, 31492822, 32741965); This variant is associated with the following publications: (PMID: 25525159, 32741965, 23083876, 28152038, 31492822, 28409892, 16912137, 31579262, 19075037, 30787465, 30877234, 35668420)

Blueprint Genetics
Classification: Pathogenic for SDHB-related disorders. Last evaluated: 2024-09-30. Review status: criteria provided, single submitter. Criteria: ACMG Guidelines, 2015. Collection method: clinical testing. Allele origin: germline. Affected: yes. Observed: 1 variant allele.

Myriad Genetics, Inc.
Classification: Pathogenic for Pheochromocytoma/paraganglioma syndrome 4. Last evaluated: 2024-02-08. Review status: criteria provided, single submitter. Criteria: Myriad Autosomal Dominant, Autosomal Recessive and X-Linked Classification Criteria (2023). Collection method: clinical testing. Allele origin: unknown.
Comment: This variant is considered pathogenic. This variant occurs within a consensus splice junction and is predicted to result in abnormal mRNA splicing of either an out-of-frame exon or an in-frame exon necessary for protein stability and/or normal function. This variant has been reported in multiple individuals with clinical features of gene-specific disease [PMID: 28409892, 30201732, 30877234, 28374168].

Baylor Genetics
Classification: Pathogenic for Gastrointestinal stromal tumor. Last evaluated: 2022-03-15. Review status: criteria provided, single submitter. Criteria: ACMG Guidelines, 2015. Collection method: clinical testing. Allele origin: unknown.

Mayo Clinic Laboratories, Mayo Clinic
Classification: Pathogenic. Last evaluated: 2022-01-04. Review status: criteria provided, single submitter. Criteria: ACMG Guidelines, 2015. Collection method: clinical testing. Allele origin: germline.
Comment: PP4, PM2, PS4_moderate, PVS1

Center for Human Genetics, Inc
Classification: Pathogenic for Pheochromocytoma/paraganglioma syndrome 4. Last evaluated: 2016-11-01. Review status: criteria provided, single submitter. Criteria: ACMG Guidelines, 2015. Collection method: clinical testing. Allele origin: germline. Affected: yes.

University Health Network, Familial Cancer Clinic, Princess Margaret Cancer Centre
Classification: Pathogenic for Hereditary pheochromocytoma and paraganglioma. Review status: criteria provided, single submitter. Criteria: ACMG Guidelines, 2015. Collection method: clinical testing. Allele origin: germline. Inheritance: Autosomal dominant inheritance. Affected: yes. Observed: 2 variant alleles.

PreventionGenetics, part of Exact Sciences
Classification: Pathogenic for SDHB-related condition. Last evaluated: 2024-08-16. Review status: no assertion criteria provided. Collection method: clinical testing. Allele origin: germline. Not counted in ClinVar's aggregate classification.
Comment: The SDHB c.286+2T>A variant is predicted to disrupt the GT donor site and interfere with normal splicing. This variant was reported in individuals with SDHB-related tumors, including malignant paraganglioma (Brouwers et al. 2006. PubMed ID: 16912137; Ghayee et al. 2008. PubMed ID: 19075037), renal cell carcinoma (Ricketts et al. 2012. PubMed ID: 23083876), pheochromocytoma (Ben Aim et al. 2019. PubMed ID: 30877234), and a carotid body tumor (Greenberg et al. 2020. PubMed ID: 32741965). This variant has not been reported in a large population database, indicating this variant is rare. It is reported in ClinVar as pathogenic by multiple laboratories. Variants that disrupt the consensus splice donor site in SDHB are expected to be pathogenic. This variant is interpreted as pathogenic.

Dr. Peter K. Rogan Lab, Western University
No classification provided (evidence only). Condition: Nonpapillary renal cell carcinoma. Review status: no classification provided. Collection method: in vitro. Allele origin: not applicable. Functional consequence: retained intron. Not counted in ClinVar's aggregate classification.

Section on Medical Neuroendocrinolgy, National Institutes of Health
Classification: Likely pathogenic for Hereditary pheochromocytoma and paraganglioma. Review status: no assertion criteria provided. Collection method: research. Allele origin: germline. Affected: yes. Not counted in ClinVar's aggregate classification.

Literature cited by the submitters: PubMed 16199547 (cited by Labcorp Genetics (formerly Invitae), Labcorp); PubMed 19454582 (cited by Labcorp Genetics (formerly Invitae), Labcorp); PubMed 19802898 (cited by Labcorp Genetics (formerly Invitae), Labcorp); PubMed 16912137 (cited by 4 submitters); PubMed 23083876 (cited by 4 submitters); PubMed 30877234 (cited by 4 submitters); PubMed 19075037 (cited by 3 submitters); PubMed 31492822 (cited by 3 submitters); PubMed 28409892 (cited by Ambry Genetics and Myriad Genetics, Inc.); PubMed 30201732 (cited by Myriad Genetics, Inc.); PubMed 28374168 (cited by Myriad Genetics, Inc.); PubMed 28152038 (cited by Mayo Clinic Laboratories, Mayo Clinic); PubMed 32741965 (cited by Mayo Clinic Laboratories, Mayo Clinic).